The following is an entry in ClinVar:

NM_001035.3(RYR2):c.1613-1G>A

Gene: RYR2 (ryanodine receptor 2; plus strand). Cytogenetic location: 1q43.
Variant type: single nucleotide variant.
Coding change: c.1613-1G>A on transcript NM_001035.3 (MANE Select); the canonical splice acceptor site of the intron before coding-DNA position 1613, G replaced by A.
Molecular consequence: splice acceptor variant.
Genome position (GRCh38, 1-based): chr1:237,469,091, G>A. VCF-style: chr1-237469091-G-A. GRCh37 (hg19) VCF-style: chr1-237632391-G-A.
Identifiers: ClinVar variation 3894323 (VCV003894323.1).

ClinVar aggregate classification (germline): Uncertain significance (1 of 4 stars; one submission).

Conditions:
Cardiomyopathy (CMYO). Also called: Cardiomyopathies. Identifiers: Orphanet 167848, MedGen C0878544, MONDO:0004994, HP:0001638. Inheritance: Various modes of inheritance.

gnomAD v4.1: 1 of 1,612,068 alleles (0.000062%); highest among the groups gnomAD compares: Non-Finnish European, 0.000085%; no homozygotes.

Submission:

Color Diagnostics, LLC DBA Color Health
Classification: Uncertain significance for Cardiomyopathy. Last evaluated: 2024-03-20. Review status: criteria provided, single submitter. Criteria: ACMG Guidelines, 2015. Collection method: clinical testing. Allele origin: germline.
Comment: This variant causes a G to A nucleotide substitution at the -1 position of intron 16 of the RYR2 gene. Splice site prediction tools predict that this variant may have a significant impact on RNA splicing. Although this prediction has not been confirmed in published RNA studies, this variant is expected to result in an absent or disrupted protein product. To our knowledge, RNA studies have not been reported for this variant. This variant has not been reported in individuals affected with RYR2-related disorders in the literature. This variant has not been identified in the general population by the Genome Aggregation Database (gnomAD). Clinical relevance of loss-of-function RYR2 truncation and splice variants in autosomal dominant cardiovascular disorders is not clearly established. The available evidence is insufficient to determine the role of this variant in disease conclusively. Therefore, this variant is classified as a Variant of Uncertain Significance.